The following is an entry in ClinVar:

NC_000016.10:g.(89791537_89791926)_(89799233_89799604)del

Gene: FANCA (FA complementation group A; minus strand). Cytogenetic location: 16q24.3.
Variant type: Deletion.
Identifiers: ClinVar variation 974111 (VCV000974111.1).

ClinVar aggregate classification (germline): Pathogenic (0 of 4 stars; one submission).

Conditions:
Fanconi anemia complementation group A (FANCA). Also called: Fanconi anemia, group A; FANCA-Related Fanconi Anemia. Identifiers: Orphanet 84, MedGen C3469521, MONDO:0009215, OMIM 227650.

Submission:

Leiden Open Variation Database
Classification: Pathogenic for Fanconi anemia complementation group A. Last evaluated: 2020-02-28. Review status: no assertion criteria provided. Collection method: curation. Allele origin: germline. Affected: yes.
Comment: Curator: Arleen D. Auerbach. Submitter to LOVD: Arleen D. Auerbach.

Literature cited by the submitters: PubMed 10094191.